The following is an entry in ClinVar:

ClinVar aggregate classification (germline): Uncertain significance (1 of 4 stars; one submission).

gnomAD v4.1: 1 of 1,610,254 alleles (0.000062%); highest among the groups gnomAD compares: Non-Finnish European, 0.000085%; no homozygotes.

Submission:

Labcorp Genetics (formerly Invitae), Labcorp
Classification: Uncertain significance. Last evaluated: 2025-03-10. Review status: criteria provided, single submitter. Criteria: Invitae Variant Classification Sherloc (09022015). Collection method: clinical testing. Allele origin: germline.
Comment: This sequence change creates a premature translational stop signal (p.Arg1323*) in the ERBIN gene. It is expected to result in an absent or disrupted protein product. However, the current clinical and genetic evidence is not sufficient to establish whether loss-of-function variants in ERBIN cause disease. This variant is not present in population databases (gnomAD no frequency). This variant has not been reported in the literature in individuals affected with ERBIN-related conditions. Algorithms developed to predict the effect of sequence changes on RNA splicing suggest that this variant may disrupt the consensus splice site. In summary, the available evidence is currently insufficient to determine the role of this variant in disease. Therefore, it has been classified as a Variant of Uncertain Significance.

NM_001253697.2(ERBIN):c.3967C>T (p.Arg1323Ter)

Gene: ERBIN (erbb2 interacting protein; plus strand). Cytogenetic location: 5q12.3.
Variant type: single nucleotide variant.
Coding change: c.3967C>T on transcript NM_001253697.2 (MANE Select); coding-DNA position 3967, C replaced by T.
Protein change: p.Arg1323Ter; replaces arginine 1323 with a stop codon.
Molecular consequence: nonsense.
Genome position (GRCh38, 1-based): chr5:66,076,319, C>T. VCF-style: chr5-66076319-C-T. GRCh37 (hg19) VCF-style: chr5-65372147-C-T.
Other names: c.3637C>T, p.Arg1213Ter (NM_001006600.3); c.3844C>T, p.Arg1282Ter (NM_001253698.2, NM_018695.4); c.3988C>T, p.Arg1330Ter (NM_001253699.2); c.3832C>T, p.Arg1278Ter (NM_001253701.2); short protein forms R1213*, R1323*, R1330*, R1278*, R1282*.
Identifiers: ClinVar variation 4778012 (VCV004778012.1).